The following is an entry in ClinVar:

NM_014946.4(SPAST):c.683-1G>A

Gene: SPAST (spastin; plus strand). Cytogenetic location: 2p22.3.
Variant type: single nucleotide variant.
Coding change: c.683-1G>A on transcript NM_014946.4 (MANE Select); the canonical splice acceptor site of the intron before coding-DNA position 683, G replaced by A.
Molecular consequence: splice acceptor variant.
Genome position (GRCh38, 1-based): chr2:32,114,637, G>A. VCF-style: chr2-32114637-G-A. GRCh37 (hg19) VCF-style: chr2-32339706-G-A.
Other names: c.587-1G>A (NM_199436.2, NM_001377959.1); c.680-1G>A (NM_001363823.2); c.584-1G>A (NM_001363875.2).
Identifiers: ClinVar variation 4891554 (VCV004891554.1).

ClinVar aggregate classification (germline): Pathogenic (1 of 4 stars; one submission).

Conditions:
Hereditary spastic paraplegia 4. Also called: Spastic Paraplegia 4; Spastic paraplegia 4, autosomal dominant; Familial spastic paraplegia autosomal dominant 2. Identifiers: Orphanet 100985, MedGen C1866855, MONDO:0008438, OMIM 182601.

Submission:

Clinical Genetics Laboratory, University Hospital Schleswig-Holstein
Classification: Pathogenic for Hereditary spastic paraplegia 4. Last evaluated: 2025-12-03. Review status: criteria provided, single submitter. Criteria: ACMG Guidelines, 2015. Collection method: clinical testing. Allele origin: germline. Affected: yes. Observed: 1 heterozygote.
Comment: ACMG criteria applied: PM2, PVS1